The following is an entry in ClinVar:

NM_020754.4(ARHGAP31):c.3700G>A (p.Glu1234Lys)

Gene: ARHGAP31 (Rho GTPase activating protein 31; plus strand). Cytogenetic location: 3q13.33.
Variant type: single nucleotide variant.
Coding change: c.3700G>A on transcript NM_020754.4 (MANE Select); coding-DNA position 3700, G replaced by A.
Protein change: p.Glu1234Lys; replaces glutamic acid 1234 with lysine.
Molecular consequence: missense variant.
Genome position (GRCh38, 1-based): chr3:119,415,629, G>A. VCF-style: chr3-119415629-G-A. GRCh37 (hg19) VCF-style: chr3-119134476-G-A.
Other names: short protein forms E1234K.
Identifiers: ClinVar variation 3718080 (VCV003718080.3).

ClinVar aggregate classification (germline): Uncertain significance. Review status: criteria provided, multiple submitters, no conflicts (2 of 4 stars). 2 submissions from 2 submitters: Uncertain significance (2). Last evaluated 2025-12-09.

gnomAD v4.1: 44 of 1,614,026 alleles (0.0027%); highest among the groups gnomAD compares: African/African-American, 0.004%; no homozygotes.

Submissions (2):

Women's Health and Genetics/Laboratory Corporation of America, LabCorp
Classification: Uncertain significance. Last evaluated: 2025-12-09. Review status: criteria provided, single submitter. Criteria: LabCorp Variant Classification Summary - May 2015. Collection method: clinical testing. Allele origin: germline.
Comment: Variant summary: ARHGAP31 c.3700G>A (p.Glu1234Lys) results in a conservative amino acid change in the encoded protein sequence. Algorithms developed to predict the effect of missense changes on protein structure and function all suggest that this variant is likely to be tolerated. The variant allele was found at a frequency of 2.7e-05 in 1607032 control chromosomes (gnomAD). The occurrence in several carriers suggests that this variant is likely not associated with a high penetrance, severe, early onset disease phenotype in heterozygous state. To our knowledge, no occurrence of c.3700G>A in individuals affected with ARHGAP31-related conditions and no experimental evidence demonstrating its impact on protein function have been reported. ClinVar contains an entry for this variant (Variation ID: 3718080). Based on the evidence outlined above, the variant was classified as VUS-possibly benign.

Labcorp Genetics (formerly Invitae), Labcorp
Classification: Uncertain significance. Last evaluated: 2024-11-19. Review status: criteria provided, single submitter. Criteria: Invitae Variant Classification Sherloc (09022015). Collection method: clinical testing. Allele origin: germline.
Comment: This sequence change replaces glutamic acid, which is acidic and polar, with lysine, which is basic and polar, at codon 1234 of the ARHGAP31 protein (p.Glu1234Lys). The frequency data for this variant in the population databases is considered unreliable, as metrics indicate poor data quality at this position in the gnomAD database. This variant has not been reported in the literature in individuals affected with ARHGAP31-related conditions. An algorithm developed to predict the effect of missense changes on protein structure and function (PolyPhen-2) suggests that this variant is likely to be disruptive. In summary, the available evidence is currently insufficient to determine the role of this variant in disease. Therefore, it has been classified as a Variant of Uncertain Significance.